The following is an entry in ClinVar:

ClinVar aggregate classification (germline): Likely pathogenic. Review status: criteria provided, multiple submitters, no conflicts (2 of 4 stars). 2 submissions from 2 submitters: Likely pathogenic (2). Last evaluated 2026-07-01.

Conditions:
Chilton-Okur-Chung neurodevelopmental syndrome (CHOCNS). Identifiers: MedGen C5677022, MONDO:0859239, OMIM 619841.

Submissions (2):

Wendy Chung Laboratory, Boston Children's Hospital
Classification: Likely pathogenic for Chilton-Okur-Chung neurodevelopmental syndrome. Last evaluated: 2026-07-01. Review status: criteria provided, single submitter. Criteria: ACMG Guidelines, 2015. Collection method: clinical testing. Allele origin: germline. Affected: yes.

Dasa
Classification: Likely pathogenic. Last evaluated: 2025-10-30. Review status: criteria provided, single submitter. Criteria: DASA Assertion Criteria. Collection method: clinical testing. Allele origin: germline.
Comment: NM_006035.4(CDC42BPB):c.4589C>A (p.Ser1530*) is a nonsense variant in CDC42BPB predicted to introduce a premature termination codon and is predicted to result in an absent or altered protein product. Loss of function is an established disease mechanism for CDC42BPB-associated disorders. Also, this variant is absent from population databases. Based on the currently available evidence, this variant is classified as likely pathogenic.

NM_006035.4(CDC42BPB):c.4589C>A (p.Ser1530Ter)

Gene: CDC42BPB (CDC42 binding protein kinase beta; minus strand). Cytogenetic location: 14q32.32.
Variant type: single nucleotide variant.
Coding change: c.4589C>A on transcript NM_006035.4 (MANE Select); coding-DNA position 4589, C replaced by A.
Protein change: p.Ser1530Ter; replaces serine 1530 with a stop codon.
Molecular consequence: nonsense.
Genome position (GRCh38, 1-based): chr14:102,940,048, G>T on the plus strand (C>A on the coding strand, the complement: CDC42BPB is on the minus strand). VCF-style: chr14-102940048-G-T. GRCh37 (hg19) VCF-style: chr14-103406385-G-T.
Other names: c.4511C>A, p.Ser1504Ter (NM_001411054.1); short protein forms S1504*, S1530*.
Identifiers: ClinVar variation 4875546 (VCV004875546.3).